The following is an entry in ClinVar:

NM_001042492.3(NF1):c.930T>G (p.His310Gln)

Gene: NF1 (neurofibromin 1; plus strand). Cytogenetic location: 17q11.2.
Variant type: single nucleotide variant.
Coding change: c.930T>G on transcript NM_001042492.3 (MANE Select); coding-DNA position 930, T replaced by G.
Protein change: p.His310Gln; replaces histidine 310 with glutamine.
Molecular consequence: missense variant.
Genome position (GRCh38, 1-based): chr17:31,200,463, T>G. VCF-style: chr17-31200463-T-G. GRCh37 (hg19) VCF-style: chr17-29527481-T-G.
Other names: c.930T>G, p.His310Gln (NM_000267.4, NM_001128147.3); short protein forms H310Q.
Identifiers: ClinVar variation 1016336 (VCV001016336.5), dbSNP rs1555610865, ClinGen allele CA398995672.

ClinVar aggregate classification (germline): Uncertain significance (1 of 4 stars; one submission).

Conditions:
Neurofibromatosis, type 1 (NF1). Also called: VON RECKLINGHAUSEN DISEASE; Neurofibromatosis, type I; NEUROFIBROMATOSIS, TYPE I, SOMATIC; Peripheral type neurofibromatosis. Identifiers: Orphanet 636, MedGen C0027831, MONDO:0018975, OMIM 162200. Disease mechanism: loss of function.

Submission:

Labcorp Genetics (formerly Invitae), Labcorp
Classification: Uncertain significance for Neurofibromatosis, type 1. Last evaluated: 2021-07-30. Review status: criteria provided, single submitter. Criteria: Invitae Variant Classification Sherloc (09022015). Collection method: clinical testing. Allele origin: germline.
Comment: This variant is not present in population databases (ExAC no frequency). This sequence change replaces histidine with glutamine at codon 310 of the NF1 protein (p.His310Gln). The histidine residue is moderately conserved and there is a small physicochemical difference between histidine and glutamine. This variant has not been reported in the literature in individuals with NF1-related conditions. In summary, the available evidence is currently insufficient to determine the role of this variant in disease. Therefore, it has been classified as a Variant of Uncertain Significance. Algorithms developed to predict the effect of sequence changes on RNA splicing suggest that this variant may create or strengthen a splice site, but this prediction has not been confirmed by published transcriptional studies. Algorithms developed to predict the effect of missense changes on protein structure and function (SIFT, PolyPhen-2, Align-GVGD) all suggest that this variant is likely to be tolerated, but these predictions have not been confirmed by published functional studies and their clinical significance is uncertain.